The following is an entry in ClinVar:

ClinVar aggregate classification (germline): Uncertain significance (1 of 4 stars; one submission).

gnomAD v4.1: 2 of 1,610,440 alleles (0.00012%); no homozygotes.

Submission:

Labcorp Genetics (formerly Invitae), Labcorp
Classification: Uncertain significance. Last evaluated: 2025-08-10. Review status: criteria provided, single submitter. Criteria: Invitae Variant Classification Sherloc (09022015). Collection method: clinical testing. Allele origin: germline.
Comment: This sequence change replaces glutamic acid, which is acidic and polar, with lysine, which is basic and polar, at codon 445 of the NFKB1 protein (p.Glu445Lys). This variant is not present in population databases (gnomAD no frequency). This variant has not been reported in the literature in individuals affected with NFKB1-related conditions. Invitae Evidence Modeling of protein sequence and biophysical properties (such as structural, functional, and spatial information, amino acid conservation, physicochemical variation, residue mobility, and thermodynamic stability) indicates that this missense variant is not expected to disrupt NFKB1 protein function with a negative predictive value of 80%. In summary, the available evidence is currently insufficient to determine the role of this variant in disease. Therefore, it has been classified as a Variant of Uncertain Significance.

NM_003998.4(NFKB1):c.1333G>A (p.Glu445Lys)

Gene: NFKB1 (nuclear factor kappa B subunit 1; plus strand). Cytogenetic location: 4q24.
Variant type: single nucleotide variant.
Coding change: c.1333G>A on transcript NM_003998.4 (MANE Select); coding-DNA position 1333, G replaced by A.
Protein change: p.Glu445Lys; replaces glutamic acid 445 with lysine.
Molecular consequence: missense variant.
Genome position (GRCh38, 1-based): chr4:102,596,170, G>A. VCF-style: chr4-102596170-G-A. GRCh37 (hg19) VCF-style: chr4-103517327-G-A.
Other names: c.1330G>A, p.Glu444Lys (NM_001165412.2, NM_001319226.2, NM_001382627.1); c.1333G>A, p.Glu445Lys (NM_001382625.1, NM_001382626.1); c.1291G>A, p.Glu431Lys (NM_001382628.1); short protein forms E431K, E444K, E445K.
Identifiers: ClinVar variation 4810384 (VCV004810384.1).
Genomic context (GRCh38, chr4:102,596,170, plus strand): 5'-AAATCTGATGTTTTTGCATTTATCTTAGGAACCATGGACACTGAATCTAAAAAGGACCCT[G>A]AAGGTTGTGACAAAAGTGATGACAAAAACACTGTAAACCTCTTTGGGAAAGTTATTGAAA-3'
Protein context (NP_003989.2, residues 435-455): TMDTESKKDP[Glu445Lys]GCDKSDDKNT